The following is an entry in ClinVar:

NM_021625.5(TRPV4):c.1478C>T (p.Pro493Leu)

Gene: TRPV4 (transient receptor potential cation channel subfamily V member 4; minus strand). Cytogenetic location: 12q24.11.
Variant type: single nucleotide variant.
Coding change: c.1478C>T on transcript NM_021625.5 (MANE Select); coding-DNA position 1478, C replaced by T.
Protein change: p.Pro493Leu; replaces proline 493 with leucine.
Molecular consequence: missense variant.
Genome position (GRCh38, 1-based): chr12:109,794,342, G>A on the plus strand (C>T on the coding strand, the complement: TRPV4 is on the minus strand). VCF-style: chr12-109794342-G-A. GRCh37 (hg19) VCF-style: chr12-110232147-G-A.
Other names: c.1337C>T, p.Pro446Leu (NM_001177428.2); c.1376C>T, p.Pro459Leu (NM_001177431.2); c.1157C>T, p.Pro386Leu (NM_001177433.2); c.1298C>T, p.Pro433Leu (NM_147204.3); short protein forms P386L, P433L, P446L, P459L, P493L.
Identifiers: ClinVar variation 1006277 (VCV001006277.9), dbSNP rs757284253, ClinGen allele CA6780231.

ClinVar aggregate classification (germline): Uncertain significance. Review status: criteria provided, multiple submitters, no conflicts (2 of 4 stars). 2 submissions from 2 submitters: Uncertain significance (2). Last evaluated 2025-11-26.

Conditions:
Charcot-Marie-Tooth disease axonal type 2C (HMSN2C). Also called: Charcot-Marie-Tooth Disease Type 2, TRPV4-Related (CMT2C); CHARCOT-MARIE-TOOTH DISEASE, AXONAL, AUTOSOMAL DOMINANT, TYPE 2C; Charcot-Marie-Tooth Neuropathy Type 2C. Identifiers: Orphanet 99937, MedGen C1853710, MONDO:0011633, OMIM 606071.

Allele frequency attached by ClinVar (database versions not stated): gnomAD 0.00001; gnomAD exomes 0.00001 and 0.00002; TOPMed 0.00001; ExAC 0.00002.
gnomAD v4.1: 29 of 1,612,256 alleles (0.0018%); highest among the groups gnomAD compares: Non-Finnish European, 0.0023%; no homozygotes.

Submissions (2):

Labcorp Genetics (formerly Invitae), Labcorp
Classification: Uncertain significance for Charcot-Marie-Tooth disease axonal type 2C. Last evaluated: 2025-11-26. Review status: criteria provided, single submitter. Criteria: Invitae Variant Classification Sherloc (09022015). Collection method: clinical testing. Allele origin: germline.
Comment: This sequence change replaces proline, which is neutral and non-polar, with leucine, which is neutral and non-polar, at codon 493 of the TRPV4 protein (p.Pro493Leu). This variant is present in population databases (rs757284253, gnomAD 0.003%). This variant has not been reported in the literature in individuals affected with TRPV4-related conditions. ClinVar contains an entry for this variant (Variation ID: 1006277). Invitae Evidence Modeling of protein sequence and biophysical properties (such as structural, functional, and spatial information, amino acid conservation, physicochemical variation, residue mobility, and thermodynamic stability) has been performed for this missense variant. However, the output from this modeling did not meet the statistical confidence thresholds required to predict the impact of this variant on TRPV4 protein function. In summary, the available evidence is currently insufficient to determine the role of this variant in disease. Therefore, it has been classified as a Variant of Uncertain Significance.

Athena Diagnostics
Classification: Uncertain significance. Last evaluated: 2023-01-10. Review status: criteria provided, single submitter. Criteria: Athena Diagnostics Criteria. Collection method: clinical testing. Allele origin: unknown.
Comment: Available data are insufficient to determine the clinical significance of the variant at this time. The frequency of this variant in the general population is uninformative in assessment of its pathogenicity. Computational tools predict that this variant is damaging.